The following is an entry in ClinVar:

NM_182961.4(SYNE1):c.24660C>T (p.His8220=)

Gene: SYNE1 (spectrin repeat containing nuclear envelope protein 1; minus strand). Cytogenetic location: 6q25.2.
Variant type: single nucleotide variant.
Coding change: c.24660C>T on transcript NM_182961.4 (MANE Select); coding-DNA position 24660, C replaced by T.
Protein change: p.His8220=; no amino-acid change (histidine 8220 retained).
Molecular consequence: synonymous variant.
Genome position (GRCh38, 1-based): chr6:152,148,361, G>A on the plus strand (C>T on the coding strand, the complement: SYNE1 is on the minus strand). VCF-style: chr6-152148361-G-A. GRCh37 (hg19) VCF-style: chr6-152469496-G-A.
Other names: p.His8149=; c.24660C>T (NM_182961.2); c.1266C>T, p.His422= (NM_001347701.2); c.1125C>T, p.His375= (NM_001347702.2); c.24447C>T, p.His8149= (NM_033071.5).
Identifiers: ClinVar variation 289673 (VCV000289673.28), dbSNP rs150811468, ClinGen allele CA4053103.

ClinVar aggregate classification (germline): Conflicting classifications of pathogenicity. Review status: criteria provided, conflicting classifications (1 of 4 stars). 9 submissions from 8 submitters: Uncertain significance (2); Benign (2); Likely benign (5). Last evaluated 2025-12-06.

Conditions:
Emery-Dreifuss muscular dystrophy 4, autosomal dominant (EDMD4). Also called: EMERY-DREIFUSS MUSCULAR DYSTROPHY 4 WITH VARIABLE FEATURES. Identifiers: Orphanet 261, MedGen C2751807, MONDO:0013071, OMIM 612998.
Autosomal recessive ataxia, Beauce type. Also called: SYNE1 Deficiency; SYNE1-Related Autosomal Recessive Cerebellar Ataxia; ATAXIA, RECESSIVE, OF BEAUCE; Spinocerebellar ataxia, autosomal recessive 8. Identifiers: Orphanet 88644, MedGen C1853116, MONDO:0012549, OMIM 610743.

Allele frequency attached by ClinVar (database versions not stated): ESP Exome Variant Server 0.00023; gnomAD 0.00027 and 0.00029; gnomAD exomes 0.00028 and 0.00071; TOPMed 0.00044; ExAC 0.00058.
gnomAD v4.1: 486 of 1,613,862 alleles (0.03%); highest among the groups gnomAD compares: Admixed American, 0.025%; 1 homozygote.

Submissions (9):

Labcorp Genetics (formerly Invitae), Labcorp
Classification: Likely benign for Emery-Dreifuss muscular dystrophy 4, autosomal dominant; Autosomal recessive ataxia, Beauce type. Last evaluated: 2025-12-06. Review status: criteria provided, single submitter. Criteria: Invitae Variant Classification Sherloc (09022015). Collection method: clinical testing. Allele origin: germline.

Mayo Clinic Laboratories, Mayo Clinic
Classification: Likely benign. Last evaluated: 2025-11-27. Review status: criteria provided, single submitter. Criteria: ACMG Guidelines, 2015. Collection method: clinical testing. Allele origin: germline. Observed: 2 variant alleles.
Comment: BS1, BP4, BP7

CeGaT Center for Human Genetics Tuebingen
Classification: Likely benign. Last evaluated: 2025-10-01. Review status: criteria provided, single submitter. Criteria: CeGaT Center For Human Genetics Tuebingen Variant Classification Criteria Version 2. Collection method: clinical testing. Allele origin: germline. Affected: yes. Observed: 1 variant allele.
Comment: SYNE1: BP4, BP7

Blueprint Genetics
Classification: Likely benign. Last evaluated: 2024-11-18. Review status: criteria provided, single submitter. Criteria: ACMG Guidelines, 2015. Collection method: clinical testing. Allele origin: germline.

Athena Diagnostics
Classification: Benign. Last evaluated: 2021-03-31. Review status: criteria provided, single submitter. Criteria: Athena Diagnostics criteria. Collection method: clinical testing. Allele origin: unknown.

Illumina Laboratory Services, Illumina
Classification: Benign for Emery-Dreifuss muscular dystrophy 4, autosomal dominant. Last evaluated: 2018-01-13. Review status: criteria provided, single submitter. Criteria: ICSL Variant Classification Criteria 13 December 2019. Collection method: clinical testing. Allele origin: germline.
Comment: This variant was observed in the ICSL laboratory as part of a predisposition screen in an ostensibly healthy population. It had not been previously curated by ICSL or reported in the Human Gene Mutation Database (HGMD: prior to June 1st, 2018), and was therefore a candidate for classification through an automated scoring system. Utilizing variant allele frequency, disease prevalence and penetrance estimates, and inheritance mode, an automated score was calculated to assess if this variant is too frequent to cause the disease. Based on the score and internal cut-off values, a variant classified as benign is not then subjected to further curation. The score for this variant resulted in a classification of benign for this disease.

Illumina Laboratory Services, Illumina
Classification: Uncertain significance for Autosomal recessive ataxia, Beauce type. Last evaluated: 2018-01-13. Review status: criteria provided, single submitter. Criteria: ICSL Variant Classification Criteria 13 December 2019. Collection method: clinical testing. Allele origin: germline.

GeneDx
Classification: Likely benign. Last evaluated: 2017-09-26. Review status: criteria provided, single submitter. Criteria: GeneDx Variant Classification (06012015). Collection method: clinical testing. Allele origin: germline. Affected: yes.
Comment: This variant is considered likely benign or benign based on one or more of the following criteria: it is a conservative change, it occurs at a poorly conserved position in the protein, it is predicted to be benign by multiple in silico algorithms, and/or has population frequency not consistent with disease.

Eurofins Ntd Llc (ga)
Classification: Uncertain significance. Last evaluated: 2016-07-27. Review status: criteria provided, single submitter. Criteria: EGL Classification Definitions 2015. Collection method: clinical testing. Allele origin: germline. Observed: 3 variant alleles, 3 heterozygotes.